The following is an entry in ClinVar:

NM_014729.3(TOX):c.191A>G (p.Glu64Gly)

Gene: TOX (thymocyte selection associated high mobility group box; minus strand). Cytogenetic location: 8q12.1.
Variant type: single nucleotide variant.
Coding change: c.191A>G on transcript NM_014729.3 (MANE Select); coding-DNA position 191, A replaced by G.
Protein change: p.Glu64Gly; replaces glutamic acid 64 with glycine.
Molecular consequence: missense variant.
Genome position (GRCh38, 1-based): chr8:58,939,522, T>C on the plus strand (A>G on the coding strand, the complement: TOX is on the minus strand). VCF-style: chr8-58939522-T-C. GRCh37 (hg19) VCF-style: chr8-59852081-T-C.
Other names: short protein forms E64G.
Identifiers: ClinVar variation 4598167 (VCV004598167.1).

ClinVar aggregate classification (germline): Uncertain significance (1 of 4 stars; one submission).

gnomAD v4.1: 2 of 1,613,916 alleles (0.00012%); highest among the groups gnomAD compares: African/African-American, 0.0013%; no homozygotes.

Submission:

Ambry Genetics
Classification: Uncertain significance. Last evaluated: 2025-10-15. Review status: criteria provided, single submitter. Criteria: Ambry Variant Classification Scheme 2023. Collection method: clinical testing. Allele origin: germline.
Comment: The c.191A>G (p.E64G) alteration is located in exon 3 (coding exon 3) of the TOX gene. This alteration results from a A to G substitution at nucleotide position 191, causing the glutamic acid (E) at amino acid position 64 to be replaced by a glycine (G). Based on data from gnomAD, the G allele has an overall frequency of 0.003% (1/31406) total alleles studied. The highest observed frequency was 0.012% (1/8714) of African alleles. Based on insufficient or conflicting evidence, the clinical significance of this alteration remains unclear.